The following is an entry in ClinVar:

ClinVar aggregate classification (germline): Uncertain significance (1 of 4 stars; one submission).

Conditions:
Leukocyte adhesion deficiency type II. Also called: CONGENITAL DISORDER OF GLYCOSYLATION, TYPE IIc; CDG IIc; Congenital disorder of glycosylation type 2C; CDG 2C; Leukocyte adhesion deficiency type 2; Rambam Hasharon syndrome. Identifiers: Orphanet 2968, Orphanet 99843, MedGen C0398739, MONDO:0009953, OMIM 266265.

Allele frequency attached by ClinVar (database versions not stated): gnomAD exomes 0.00001.
gnomAD v4.1: 7 of 1,612,092 alleles (0.00043%); highest among the groups gnomAD compares: Non-Finnish European, 0.00059%; no homozygotes.

Submission:

Labcorp Genetics (formerly Invitae), Labcorp
Classification: Uncertain significance for Leukocyte adhesion deficiency type II. Last evaluated: 2020-12-17. Review status: criteria provided, single submitter. Criteria: Invitae Variant Classification Sherloc (09022015). Collection method: clinical testing. Allele origin: germline.
Comment: In summary, the available evidence is currently insufficient to determine the role of this variant in disease. Therefore, it has been classified as a Variant of Uncertain Significance. Algorithms developed to predict the effect of missense changes on protein structure and function output the following: SIFT: "Tolerated"; PolyPhen-2: "Benign"; Align-GVGD: "Class C0". The aspartic acid amino acid residue is found in multiple mammalian species, suggesting that this missense change does not adversely affect protein function. These predictions have not been confirmed by published functional studies and their clinical significance is uncertain. This variant has not been reported in the literature in individuals with SLC35C1-related conditions. This variant is not present in population databases (ExAC no frequency). This sequence change replaces glycine with aspartic acid at codon 225 of the SLC35C1 protein (p.Gly225Asp). The glycine residue is moderately conserved and there is a moderate physicochemical difference between glycine and aspartic acid.

NM_018389.5(SLC35C1):c.674G>A (p.Gly225Asp)

Gene: SLC35C1 (solute carrier family 35 member C1; plus strand). Cytogenetic location: 11p11.2.
Variant type: single nucleotide variant.
Coding change: c.674G>A on transcript NM_018389.5 (MANE Select); coding-DNA position 674, G replaced by A.
Protein change: p.Gly225Asp; replaces glycine 225 with aspartic acid.
Molecular consequence: missense variant.
Genome position (GRCh38, 1-based): chr11:45,810,914, G>A. VCF-style: chr11-45810914-G-A. GRCh37 (hg19) VCF-style: chr11-45832465-G-A.
Other names: c.635G>A, p.Gly212Asp (NM_001145265.2, NM_001145266.2); short protein forms G212D, G225D.
Identifiers: ClinVar variation 1398221 (VCV001398221.7), dbSNP rs2134597563, ClinGen allele CA380205730.